The following is an entry in ClinVar:

ClinVar aggregate classification (germline): Uncertain significance (1 of 4 stars; one submission).

Allele frequency attached by ClinVar (database versions not stated): gnomAD exomes 0.00001.
gnomAD v4.1: 9 of 1,614,060 alleles (0.00056%); highest among the groups gnomAD compares: Non-Finnish European, 0.00076%; no homozygotes.

Submission:

Labcorp Genetics (formerly Invitae), Labcorp
Classification: Uncertain significance. Last evaluated: 2022-01-22. Review status: criteria provided, single submitter. Criteria: Invitae Variant Classification Sherloc (09022015). Collection method: clinical testing. Allele origin: germline.
Comment: This sequence change replaces arginine, which is basic and polar, with histidine, which is basic and polar, at codon 449 of the TULP1 protein (p.Arg449His). This variant is not present in population databases (gnomAD no frequency). This variant has not been reported in the literature in individuals affected with TULP1-related conditions. ClinVar contains an entry for this variant (Variation ID: 849054). Algorithms developed to predict the effect of missense changes on protein structure and function are either unavailable or do not agree on the potential impact of this missense change (SIFT: "Not Available"; PolyPhen-2: "Probably Damaging"; Align-GVGD: "Not Available"). In summary, the available evidence is currently insufficient to determine the role of this variant in disease. Therefore, it has been classified as a Variant of Uncertain Significance.

NM_003322.6(TULP1):c.1346G>A (p.Arg449His)

Gene: TULP1 (TUB like protein 1; minus strand). Cytogenetic location: 6p21.31.
Variant type: single nucleotide variant.
Coding change: c.1346G>A on transcript NM_003322.6 (MANE Select); coding-DNA position 1346, G replaced by A.
Protein change: p.Arg449His; replaces arginine 449 with histidine.
Molecular consequence: missense variant.
Genome position (GRCh38, 1-based): chr6:35,500,130, C>T on the plus strand (G>A on the coding strand, the complement: TULP1 is on the minus strand). VCF-style: chr6-35500130-C-T. GRCh37 (hg19) VCF-style: chr6-35467907-C-T.
Other names: c.1187G>A, p.Arg396His (NM_001289395.2); short protein forms R396H, R449H.
Identifiers: ClinVar variation 849054 (VCV000849054.7), dbSNP rs1768804529, ClinGen allele CA363778952.